The following is an entry in ClinVar:

ClinVar aggregate classification (germline): Uncertain significance (1 of 4 stars; one submission).

gnomAD v4.1: 4 of 1,614,086 alleles (0.00025%); highest among the groups gnomAD compares: Middle Eastern, 0.016%; no homozygotes.

Submission:

Labcorp Genetics (formerly Invitae), Labcorp
Classification: Uncertain significance. Last evaluated: 2024-09-23. Review status: criteria provided, single submitter. Criteria: Invitae Variant Classification Sherloc (09022015). Collection method: clinical testing. Allele origin: germline.
Comment: This sequence change replaces valine, which is neutral and non-polar, with isoleucine, which is neutral and non-polar, at codon 1098 of the BNC2 protein (p.Val1098Ile). This variant is not present in population databases (gnomAD no frequency). This variant has not been reported in the literature in individuals affected with BNC2-related conditions. An algorithm developed to predict the effect of missense changes on protein structure and function outputs the following: PolyPhen-2: "Benign". The isoleucine amino acid residue is found in multiple mammalian species, which suggests that this missense change does not adversely affect protein function. In summary, the available evidence is currently insufficient to determine the role of this variant in disease. Therefore, it has been classified as a Variant of Uncertain Significance.

NM_017637.6(BNC2):c.3292G>A (p.Val1098Ile)

Gene: BNC2 (basonuclin zinc finger protein 2; minus strand). Cytogenetic location: 9p22.3.
Variant type: single nucleotide variant.
Coding change: c.3292G>A on transcript NM_017637.6 (MANE Select); coding-DNA position 3292, G replaced by A.
Protein change: p.Val1098Ile; replaces valine 1098 with isoleucine.
Molecular consequence: missense variant. On other transcripts: 3 prime UTR variant (1).
Genome position (GRCh38, 1-based): chr9:16,418,997, C>T on the plus strand (G>A on the coding strand, the complement: BNC2 is on the minus strand). VCF-style: chr9-16418997-C-T. GRCh37 (hg19) VCF-style: chr9-16418995-C-T.
Other names: c.*636G>A (NM_001317939.2); c.3007G>A, p.Val1003Ile (NM_001317940.2); short protein forms V1003I, V1098I.
Identifiers: ClinVar variation 3664695 (VCV003664695.2).
Genomic context (GRCh38, chr9:16,418,997, plus strand): 5'-AAACACGTAGGCCATCTGGTGAGAGCTGGCATTTGTAGTGTCCATTCTGAGACTAATCTA[C>T]TGAAGTGAAGGGAATGTTTTTGTGGAGATTAGGGTTCTGACTGTGCCGATTTCGGCTTCG-3'
Protein context (NP_060107.3, residues 1088-1099): NLHKNIPFTS[Val1098Ile]D